The following is an entry in ClinVar:

ClinVar aggregate classification (germline): Likely pathogenic (1 of 4 stars; one submission).

Conditions:
Cohen syndrome (COH1). Also called: PEPPER SYNDROME; Cutis verticis gyrata, retinitis pigmentosa, and sensorineural deafness. Identifiers: Orphanet 193, MedGen C0265223, MONDO:0008999, OMIM 216550.

Submission:

Labcorp Genetics (formerly Invitae), Labcorp
Classification: Likely pathogenic for Cohen syndrome. Last evaluated: 2021-02-18. Review status: criteria provided, single submitter. Criteria: Invitae Variant Classification Sherloc (09022015). Collection method: clinical testing. Allele origin: germline.
Comment: This variant is not present in population databases (ExAC no frequency). This sequence change affects a donor splice site in intron 20 of the VPS13B gene. It is expected to disrupt RNA splicing. Variants that disrupt the donor or acceptor splice site typically lead to a loss of protein function (PMID: 16199547), and loss-of-function variants in VPS13B are known to be pathogenic (PMID: 15141358, 16648375, 20461111). Algorithms developed to predict the effect of sequence changes on RNA splicing suggest that this variant may disrupt the consensus splice site, but this prediction has not been confirmed by published transcriptional studies. In summary, the currently available evidence indicates that the variant is pathogenic, but additional data are needed to prove that conclusively. Therefore, this variant has been classified as Likely Pathogenic. Disruption of this splice site has been observed in individual(s) with VPS13B-related conditions (PMID: 16648375).

Literature cited by the submitters: PubMed 16199547; PubMed 15141358; PubMed 16648375; PubMed 20461111.

NM_152564.5(VPS13B):c.2934+1G>T

Gene: VPS13B (vacuolar protein sorting 13 homolog B; plus strand). Cytogenetic location: 8q22.2.
Variant type: single nucleotide variant.
Coding change: c.2934+1G>T on transcript NM_152564.5 (MANE Select); the canonical splice donor site of the intron after coding-DNA position 2934, G replaced by T.
Molecular consequence: splice donor variant.
Genome position (GRCh38, 1-based): chr8:99,384,318, G>T. VCF-style: chr8-99384318-G-T. GRCh37 (hg19) VCF-style: chr8-100396546-G-T.
Other names: c.2934+1G>T (NM_017890.5).
Identifiers: ClinVar variation 1483290 (VCV001483290.8), dbSNP rs775729058, ClinGen allele CA371865001.
Genomic context (GRCh38, chr8:99,384,318, plus strand): 5'-ATCTTATATACGTGGCTCATCTATCAGCCTCAGAAACGAACAAGTAGACATATGCAACAG[G>T]TAAGAGATTTTTAAATAATTTTTTCTGTTAACAAATATTTTTCTTATTCATTTAGTAGAA-3'